The following is an entry in ClinVar:

NM_000218.3(KCNQ1):c.1257del (p.Lys422fs)

Gene: KCNQ1 (potassium voltage-gated channel subfamily Q member 1; plus strand). Cytogenetic location: 11p15.5.
Variant type: Deletion.
Coding change: c.1257del on transcript NM_000218.3 (MANE Select); coding-DNA position 1257, one base deleted (G; older notation c.1257delG).
Protein change: p.Lys422fs; shifts the reading frame from lysine 422.
Molecular consequence: frameshift variant.
Genome position (GRCh38, 1-based): chr11:2,588,718, G deleted. VCF-style (leftmost placement, unchanged base first): chr11-2588717-AG-A. GRCh37 (hg19) VCF-style: chr11-2609947-AG-A.
Other names: c.1257delG, p.Lys422Serfs (NM_000218.2); c.1161delG, p.Lys390Serfs (NM_001406836.1); c.987delG, p.Lys332Serfs (NM_001406837.1); c.717delG, p.Lys242Serfs (NM_001406838.1); c.876delG, p.Lys295Serfs (NM_181798.2); short protein forms K422fs, K295fs.
Identifiers: ClinVar variation 526930 (VCV000526930.15), dbSNP rs1554895166, ClinGen allele CA658797569.

ClinVar aggregate classification (germline): Pathogenic/Likely pathogenic. Review status: criteria provided, multiple submitters, no conflicts (2 of 4 stars). 2 submissions from 2 submitters: Pathogenic (1); Likely pathogenic (1). Last evaluated 2020-12-09.

Conditions:
Long QT syndrome (LQTS). Identifiers: MedGen C0023976, MeSH D008133, MONDO:0002442. Disease mechanism: loss of function. Inheritance: Various modes of inheritance.

Submissions (2):

Labcorp Genetics (formerly Invitae), Labcorp
Classification: Pathogenic for Long QT syndrome. Last evaluated: 2020-12-09. Review status: criteria provided, single submitter. Criteria: Invitae Variant Classification Sherloc (09022015). Collection method: clinical testing. Allele origin: germline.
Comment: For these reasons, this variant has been classified as Pathogenic. Loss-of-function variants in KCNQ1 are known to be pathogenic (PMID: 9323054, 19862833). A different variant (c.1265delA) giving rise to the same protein effect observed here (p.Lys422Serfs*10) has been reported in individuals affected with long QT syndrome (PMID: 19716085, 19841300, 23098067, 14998624, 22456477), indicating that this residue may be critical for protein function. This variant has not been reported in the literature in individuals with KCNQ1-related disease. This variant is not present in population databases (ExAC no frequency). This sequence change creates a premature translational stop signal (p.Lys422Serfs*10) in the KCNQ1 gene. It is expected to result in an absent or disrupted protein product.

Stanford Center for Inherited Cardiovascular Disease, Stanford University
Classification: Likely pathogenic. Last evaluated: 2018-02-02. Review status: criteria provided, single submitter. Criteria: ACMG Guidelines, 2015. Collection method: provider interpretation. Allele origin: germline.

Literature cited by the submitters: PubMed 9323054 (cited by Labcorp Genetics (formerly Invitae), Labcorp); PubMed 19862833 (cited by Labcorp Genetics (formerly Invitae), Labcorp); PubMed 19716085 (cited by Labcorp Genetics (formerly Invitae), Labcorp); PubMed 19841300 (cited by Labcorp Genetics (formerly Invitae), Labcorp); PubMed 23098067 (cited by Labcorp Genetics (formerly Invitae), Labcorp); PubMed 14998624 (cited by Labcorp Genetics (formerly Invitae), Labcorp); PubMed 22456477 (cited by Labcorp Genetics (formerly Invitae), Labcorp).